The following is an entry in ClinVar:

NM_017763.6(RNF43):c.1565T>G (p.Met522Arg)

Gene: RNF43 (ring finger protein 43; minus strand). Cytogenetic location: 17q22.
Variant type: single nucleotide variant.
Coding change: c.1565T>G on transcript NM_017763.6 (MANE Select); coding-DNA position 1565, T replaced by G.
Protein change: p.Met522Arg; replaces methionine 522 with arginine.
Molecular consequence: missense variant.
Genome position (GRCh38, 1-based): chr17:58,358,211, A>C on the plus strand (T>G on the coding strand, the complement: RNF43 is on the minus strand). VCF-style: chr17-58358211-A-C. GRCh37 (hg19) VCF-style: chr17-56435572-A-C.
Other names: c.1565T>G, p.Met522Arg (NM_001305544.3); c.1184T>G, p.Met395Arg (NM_001305545.2); short protein forms M522R, M395R.
Identifiers: ClinVar variation 3694956 (VCV003694956.3).

ClinVar aggregate classification (germline): Uncertain significance. Review status: criteria provided, multiple submitters, no conflicts (2 of 4 stars). 2 submissions from 2 submitters: Uncertain significance (2). Last evaluated 2025-05-07.

Submissions (2):

Ambry Genetics
Classification: Uncertain significance. Last evaluated: 2025-05-07. Review status: criteria provided, single submitter. Criteria: Ambry Variant Classification Scheme 2023. Collection method: clinical testing. Allele origin: germline.
Comment: The p.M522R variant (also known as c.1565T>G), located in coding exon 8 of the RNF43 gene, results from a T to G substitution at nucleotide position 1565. The methionine at codon 522 is replaced by arginine, an amino acid with similar properties. This amino acid position is conserved. In addition, this alteration is predicted to be tolerated by in silico analysis. Based on the available evidence, the clinical significance of this variant remains unclear.

Labcorp Genetics (formerly Invitae), Labcorp
Classification: Uncertain significance. Last evaluated: 2024-02-19. Review status: criteria provided, single submitter. Criteria: Invitae Variant Classification Sherloc (09022015). Collection method: clinical testing. Allele origin: germline.
Comment: This sequence change replaces methionine, which is neutral and non-polar, with arginine, which is basic and polar, at codon 522 of the RNF43 protein (p.Met522Arg). This variant is not present in population databases (gnomAD no frequency). This variant has not been reported in the literature in individuals affected with RNF43-related conditions. An algorithm developed to predict the effect of missense changes on protein structure and function (PolyPhen-2) suggests that this variant is likely to be tolerated. In summary, the available evidence is currently insufficient to determine the role of this variant in disease. Therefore, it has been classified as a Variant of Uncertain Significance.